The following is an entry in ClinVar:

ClinVar aggregate classification (germline): Likely benign (1 of 4 stars; one submission).

Conditions:
Autosomal recessive osteopetrosis 2. Also called: OSTEOPETROSIS, MILD AUTOSOMAL RECESSIVE FORM. Identifiers: Orphanet 667, MedGen C1850126, MONDO:0009816, OMIM 259710.

Allele frequency attached by ClinVar (database versions not stated): 1000 Genomes Project 30x 0.00328; 1000 Genomes Project 0.00439; TOPMed 0.00572; gnomAD 0.00615 and 0.00642; gnomAD exomes 0.01418.
gnomAD v4.1: 984 of 152,864 alleles (0.64%); highest among the groups gnomAD compares: South Asian, 1.5%; 8 homozygotes.

Submission:

Illumina Laboratory Services, Illumina
Classification: Likely benign for Autosomal recessive osteopetrosis 2. Last evaluated: 2018-01-12. Review status: criteria provided, single submitter. Criteria: ICSL Variant Classification Criteria 13 December 2019. Collection method: clinical testing. Allele origin: germline.
Comment: This variant was observed in the ICSL laboratory as part of a predisposition screen in an ostensibly healthy population. It had not been previously curated by ICSL or reported in the Human Gene Mutation Database (HGMD: prior to June 1st, 2018), and was therefore a candidate for classification through an automated scoring system. Utilizing variant allele frequency, disease prevalence and penetrance estimates, and inheritance mode, an automated score was calculated to assess if this variant is too frequent to cause the disease. Based on the score and internal cut-off values, a variant classified as likely benign is not then subjected to further curation. The score for this variant resulted in a classification of likely benign for this disease.

NM_003701.4(TNFSF11):c.*745T>C

Gene: TNFSF11 (TNF superfamily member 11; plus strand). Cytogenetic location: 13q14.11.
Variant type: single nucleotide variant.
Coding change: c.*745T>C on transcript NM_003701.4 (MANE Select); 745 bases downstream of the stop codon, T replaced by C.
Molecular consequence: 3 prime UTR variant.
Genome position (GRCh38, 1-based): chr13:42,607,663, T>C. VCF-style: chr13-42607663-T-C. GRCh37 (hg19) VCF-style: chr13-43181799-T-C.
Other names: c.*745T>C (NM_033012.4).
Identifiers: ClinVar variation 312250 (VCV000312250.5), dbSNP rs12721444, ClinGen allele CA10639613.
Genomic context (GRCh38, chr13:42,607,663, plus strand): 5'-AAATGCAGTATATTTCTTCGTTCTTTTTAAGTTAATAGATTTTTTCAGACTTGTCAAGCC[T>C]GTGCAAAAAAATTAAAATGGATGCCTTGAATAATAAGCAGGATGTTGGCCACCAGGTGCC-3'